The following is an entry in ClinVar:

NM_017636.4(TRPM4):c.860G>A (p.Arg287Gln)

Gene: TRPM4 (transient receptor potential cation channel subfamily M member 4; plus strand). Cytogenetic location: 19q13.33.
Variant type: single nucleotide variant.
Coding change: c.860G>A on transcript NM_017636.4 (MANE Select); coding-DNA position 860, G replaced by A.
Protein change: p.Arg287Gln; replaces arginine 287 with glutamine.
Molecular consequence: missense variant. On other transcripts: 5 prime UTR variant (1).
Genome position (GRCh38, 1-based): chr19:49,171,579, G>A. VCF-style: chr19-49171579-G-A. GRCh37 (hg19) VCF-style: chr19-49674836-G-A.
Other names: c.860G>A, p.Arg287Gln (NM_001195227.2); c.515G>A, p.Arg172Gln (NM_001321281.2); c.-694G>A (NM_001321282.2); c.338G>A, p.Arg113Gln (NM_001321283.2); c.11G>A, p.Arg4Gln (NM_001321285.2); short protein forms R113Q, R4Q, R287Q, R172Q.
Identifiers: ClinVar variation 1764036 (VCV001764036.5), dbSNP rs200707657, ClinGen allele CA9569002.

ClinVar aggregate classification (germline): Conflicting classifications of pathogenicity. Review status: criteria provided, conflicting classifications (1 of 4 stars). 2 submissions from 2 submitters: Uncertain significance (1); Likely benign (1). Last evaluated 2025-12-24.

Conditions:
Cardiovascular phenotype. Identifiers: MedGen CN230736.
Progressive familial heart block type IB (PFHB1B). Identifiers: Orphanet 871, MedGen C1970298, MONDO:0011474, OMIM 604559.

Allele frequency attached by ClinVar (database versions not stated): 1000 Genomes Project 30x 0.00016; ExAC 0.00003; 1000 Genomes Project 0.00020.

Submissions (2):

Labcorp Genetics (formerly Invitae), Labcorp
Classification: Uncertain significance for Progressive familial heart block type IB. Last evaluated: 2025-12-24. Review status: criteria provided, single submitter. Criteria: Invitae Variant Classification Sherloc (09022015). Collection method: clinical testing. Allele origin: germline.
Comment: This sequence change replaces arginine, which is basic and polar, with glutamine, which is neutral and polar, at codon 287 of the TRPM4 protein (p.Arg287Gln). This variant is present in population databases (rs200707657, gnomAD 0.02%). This variant has not been reported in the literature in individuals affected with TRPM4-related conditions. ClinVar contains an entry for this variant (Variation ID: 1764036). An algorithm developed to predict the effect of missense changes on protein structure and function outputs the following: PolyPhen-2: "Benign". The glutamine amino acid residue is found in multiple mammalian species, which suggests that this missense change does not adversely affect protein function. In summary, the available evidence is currently insufficient to determine the role of this variant in disease. Therefore, it has been classified as a Variant of Uncertain Significance.

Ambry Genetics
Classification: Likely benign for Cardiovascular phenotype. Last evaluated: 2021-11-14. Review status: criteria provided, single submitter. Criteria: Ambry Variant Classification Scheme 2023. Collection method: clinical testing. Allele origin: germline.